The following is an entry in ClinVar:

ClinVar aggregate classification (germline): Conflicting classifications of pathogenicity. Review status: criteria provided, conflicting classifications (1 of 4 stars). 5 submissions from 5 submitters: Likely pathogenic (1); Uncertain significance (3). 1 of the submissions does not count toward it. Last evaluated 2025-07-15.

Conditions:
CFTR-related disorder (CFTR-RD). Also called: CFTR-related condition; CFTR-related disorders. Identifiers: MedGen C5924204, MONDO:7770004.
Cystic fibrosis (CF). Also called: MUCOVISCIDOSIS. Identifiers: Orphanet 586, MedGen C0010674, MONDO:0009061, OMIM 219700. Disease mechanism: loss of function.

Submissions (5):

Women's Health and Genetics/Laboratory Corporation of America, LabCorp
Classification: Likely pathogenic for Cystic fibrosis. Last evaluated: 2025-07-15. Review status: criteria provided, single submitter. Criteria: LabCorp Variant Classification Summary - May 2015. Collection method: clinical testing. Allele origin: germline.
Comment: Variant summary: CFTR c.184G>C (p.Ala62Pro) results in a non-conservative amino acid change in the encoded protein sequence. Algorithms developed to predict the effect of missense changes on protein structure and function all suggest that this variant is likely to be disruptive. The variant was absent in 250916 control chromosomes. c.184G>C has been observed in individual(s) affected with Cystic Fibrosis (Schrijver_2016). At least one publication reports experimental evidence evaluating an impact on protein function. The most pronounced variant effect results in a severe protein maturation defect and a 3.77% conductance Gt average response to FSK acute addition as a percentage of wild-type (Bihler_2024). The following publications have been ascertained in the context of this evaluation (PMID: 26708955, 38388235). ClinVar contains an entry for this variant (Variation ID: 820179). Based on the evidence outlined above, the variant was classified as likely pathogenic.

Labcorp Genetics (formerly Invitae), Labcorp
Classification: Uncertain significance for Cystic fibrosis. Last evaluated: 2024-02-23. Review status: criteria provided, single submitter. Criteria: Invitae Variant Classification Sherloc (09022015). Collection method: clinical testing. Allele origin: germline.
Comment: This sequence change replaces alanine, which is neutral and non-polar, with proline, which is neutral and non-polar, at codon 62 of the CFTR protein (p.Ala62Pro). This variant is not present in population databases (gnomAD no frequency). This missense change has been observed in individual(s) with clinical features of cystic fibrosis (PMID: 26708955). ClinVar contains an entry for this variant (Variation ID: 820179). Advanced modeling of protein sequence and biophysical properties (such as structural, functional, and spatial information, amino acid conservation, physicochemical variation, residue mobility, and thermodynamic stability) performed at Invitae indicates that this missense variant is expected to disrupt CFTR protein function with a positive predictive value of 80%. In summary, the available evidence is currently insufficient to determine the role of this variant in disease. Therefore, it has been classified as a Variant of Uncertain Significance.

Ambry Genetics
Classification: Uncertain significance for Cystic fibrosis. Last evaluated: 2023-10-26. Review status: criteria provided, single submitter. Criteria: Ambry Variant Classification Scheme 2023. Collection method: clinical testing. Allele origin: germline.
Comment: The p.A62P variant (also known as c.184G>C), located in coding exon 3 of the CFTR gene, results from a G to C substitution at nucleotide position 184. The alanine at codon 62 is replaced by proline, an amino acid with highly similar properties. This amino acid position is well conserved in available vertebrate species. In addition, the in silico prediction for this alteration is inconclusive. Based on available evidence to date, the clinical significance of this alteration remains unclear.

Genome-Nilou Lab
Classification: Uncertain significance for Cystic fibrosis. Last evaluated: 2021-09-05. Review status: criteria provided, single submitter. Criteria: ACMG Guidelines, 2015. Collection method: clinical testing. Allele origin: germline. Affected: no.

Natera, Inc.
Classification: Uncertain significance for CFTR-related disorders. Last evaluated: 2018-06-06. Review status: no assertion criteria provided. Collection method: clinical testing. Allele origin: germline. Not counted in ClinVar's aggregate classification.

Literature cited by the submitters: PubMed 26708955 (cited by 3 submitters); PubMed 38388235 (cited by Women's Health and Genetics/Laboratory Corporation of America, LabCorp).

NM_000492.4(CFTR):c.184G>C (p.Ala62Pro)

Genes: CFTR (CF transmembrane conductance regulator; plus strand), LOC113664106 (CFTR intron 2 DNase I hypersensitive site; plus strand). Cytogenetic location: 7q31.2.
Variant type: single nucleotide variant.
Coding change: c.184G>C on transcript NM_000492.4 (MANE Select); coding-DNA position 184, G replaced by C.
Protein change: p.Ala62Pro; replaces alanine 62 with proline.
Molecular consequence: missense variant.
Genome position (GRCh38, 1-based): chr7:117,509,053, G>C. VCF-style: chr7-117509053-G-C. GRCh37 (hg19) VCF-style: chr7-117149107-G-C.
Other names: short protein forms A62P.
Identifiers: ClinVar variation 820179 (VCV000820179.18), dbSNP rs1584776330, ClinGen allele CA368972137.